The following is an entry in ClinVar:

NM_014112.5(TRPS1):c.1333A>C (p.Ser445Arg)

Gene: TRPS1 (transcriptional repressor GATA binding 1; minus strand). Cytogenetic location: 8q23.3.
Variant type: single nucleotide variant.
Coding change: c.1333A>C on transcript NM_014112.5 (MANE Select); coding-DNA position 1333, A replaced by C.
Protein change: p.Ser445Arg; replaces serine 445 with arginine.
Molecular consequence: missense variant.
Genome position (GRCh38, 1-based): chr8:115,604,636, T>G on the plus strand (A>C on the coding strand, the complement: TRPS1 is on the minus strand). VCF-style: chr8-115604636-T-G. GRCh37 (hg19) VCF-style: chr8-116616863-T-G.
Other names: c.1306A>C, p.Ser436Arg (NM_001282902.3); c.1312A>C, p.Ser438Arg (NM_001282903.3); c.1294A>C, p.Ser432Arg (NM_001330599.2); short protein forms S436R, S445R, S432R, S438R.
Identifiers: ClinVar variation 2925444 (VCV002925444.3), dbSNP rs1006986976, ClinGen allele CA372067646.

ClinVar aggregate classification (germline): Uncertain significance (1 of 4 stars; one submission).

Conditions:
Trichorhinophalangeal dysplasia type I (TRPS1). Also called: TRICHORHINOPHALANGEAL SYNDROME, TYPE I; TRPS I. Identifiers: Orphanet 77258, MedGen C0432233, MONDO:0008596, OMIM 190350.
Trichorhinophalangeal syndrome, type III (TRPS3). Also called: SUGIO-KAJII SYNDROME. Identifiers: Orphanet 77258, MedGen C1860823, OMIM 190351, MONDO:0008597.

gnomAD v4.1: 21 of 1,614,022 alleles (0.0013%); highest among the groups gnomAD compares: Non-Finnish European, 0.0017%; no homozygotes.

Submission:

Labcorp Genetics (formerly Invitae), Labcorp
Classification: Uncertain significance for Trichorhinophalangeal syndrome, type III; Trichorhinophalangeal dysplasia type I. Last evaluated: 2022-12-16. Review status: criteria provided, single submitter. Criteria: Invitae Variant Classification Sherloc (09022015). Collection method: clinical testing. Allele origin: germline.
Comment: This sequence change replaces serine, which is neutral and polar, with arginine, which is basic and polar, at codon 445 of the TRPS1 protein (p.Ser445Arg). This variant is present in population databases (no rsID available, gnomAD 0.002%). This variant has not been reported in the literature in individuals affected with TRPS1-related conditions. Advanced modeling of protein sequence and biophysical properties (such as structural, functional, and spatial information, amino acid conservation, physicochemical variation, residue mobility, and thermodynamic stability) performed at Invitae indicates that this missense variant is not expected to disrupt TRPS1 protein function. In summary, the available evidence is currently insufficient to determine the role of this variant in disease. Therefore, it has been classified as a Variant of Uncertain Significance.